The following is an entry in ClinVar:

ClinVar aggregate classification (germline): Likely benign (1 of 4 stars; one submission).

Conditions:
Congenital myasthenic syndrome 12 (CMS12). Also called: MYASTHENIC SYNDROME, CONGENITAL, WITH TUBULAR AGGREGATES 1; Myasthenia, congenital, 12, with tubular aggregates. Identifiers: Orphanet 353327, Orphanet 590, MedGen C3552335, MONDO:0012518, OMIM 610542.

Allele frequency attached by ClinVar (database versions not stated): gnomAD 0.00228 and 0.00246; TOPMed 0.00244; 1000 Genomes Project 30x 0.00344; 1000 Genomes Project 0.00399.

Submission:

Illumina Laboratory Services, Illumina
Classification: Likely benign for Congenital myasthenic syndrome 12. Last evaluated: 2018-01-12. Review status: criteria provided, single submitter. Criteria: ICSL Variant Classification Criteria 13 December 2019. Collection method: clinical testing. Allele origin: germline.
Comment: This variant was observed in the ICSL laboratory as part of a predisposition screen in an ostensibly healthy population. It had not been previously curated by ICSL or reported in the Human Gene Mutation Database (HGMD: prior to June 1st, 2018), and was therefore a candidate for classification through an automated scoring system. Utilizing variant allele frequency, disease prevalence and penetrance estimates, and inheritance mode, an automated score was calculated to assess if this variant is too frequent to cause the disease. Based on the score and internal cut-off values, a variant classified as likely benign is not then subjected to further curation. The score for this variant resulted in a classification of likely benign for this disease.

NM_001244710.2(GFPT1):c.*4944A>G

Gene: GFPT1 (glutamine--fructose-6-phosphate transaminase 1; minus strand). Cytogenetic location: 2p13.3.
Variant type: single nucleotide variant.
Coding change: c.*4944A>G on transcript NM_001244710.2 (MANE Select); 4944 bases downstream of the stop codon, A replaced by G.
Molecular consequence: 3 prime UTR variant.
Genome position (GRCh38, 1-based): chr2:69,321,245, T>C on the plus strand (A>G on the coding strand, the complement: GFPT1 is on the minus strand). VCF-style: chr2-69321245-T-C. GRCh37 (hg19) VCF-style: chr2-69548377-T-C.
Other names: c.*4944A>G (NM_002056.4).
Identifiers: ClinVar variation 336798 (VCV000336798.5), dbSNP rs112572296, ClinGen allele CA10614285.